The following is an entry in ClinVar:

NM_002010.3(FGF9):c.88C>T (p.Pro30Ser)

Gene: FGF9 (fibroblast growth factor 9; plus strand). Cytogenetic location: 13q12.11.
Variant type: single nucleotide variant.
Coding change: c.88C>T on transcript NM_002010.3 (MANE Select); coding-DNA position 88, C replaced by T.
Protein change: p.Pro30Ser; replaces proline 30 with serine.
Molecular consequence: missense variant.
Genome position (GRCh38, 1-based): chr13:21,672,000, C>T. VCF-style: chr13-21672000-C-T. GRCh37 (hg19) VCF-style: chr13-22246139-C-T.
Other names: short protein forms P30S.
Identifiers: ClinVar variation 3094759 (VCV003094759.3), dbSNP rs576881958, ClinGen allele CA6909412.

ClinVar aggregate classification (germline): Uncertain significance. Review status: criteria provided, multiple submitters, no conflicts (2 of 4 stars). 2 submissions from 2 submitters: Uncertain significance (2). Last evaluated 2025-12-21.

Conditions:
Inborn genetic diseases. Identifiers: MedGen C0950123, MeSH D030342.

Allele frequency attached by ClinVar (database versions not stated): gnomAD exomes 0.00001; TOPMed 0.00005; 1000 Genomes Project 0.00020; ExAC 0.00002; gnomAD 0.00005; 1000 Genomes Project 30x 0.00016.

Submissions (2):

Labcorp Genetics (formerly Invitae), Labcorp
Classification: Uncertain significance. Last evaluated: 2025-12-21. Review status: criteria provided, single submitter. Criteria: Invitae Variant Classification Sherloc (09022015). Collection method: clinical testing. Allele origin: germline.
Comment: This sequence change replaces proline, which is neutral and non-polar, with serine, which is neutral and polar, at codon 30 of the FGF9 protein (p.Pro30Ser). This variant is present in population databases (rs576881958, gnomAD 0.01%). This variant has not been reported in the literature in individuals affected with FGF9-related conditions. ClinVar contains an entry for this variant (Variation ID: 3094759). An algorithm developed to predict the effect of missense changes on protein structure and function (PolyPhen-2) suggests that this variant is likely to be tolerated. In summary, the available evidence is currently insufficient to determine the role of this variant in disease. Therefore, it has been classified as a Variant of Uncertain Significance.

Ambry Genetics
Classification: Uncertain significance for Inborn genetic diseases. Last evaluated: 2023-12-13. Review status: criteria provided, single submitter. Criteria: Ambry Variant Classification Scheme 2023. Collection method: clinical testing. Allele origin: germline.